The following is an entry in ClinVar:

ClinVar aggregate classification (germline): Uncertain significance. Review status: criteria provided, single submitter (1 of 4 stars). 2 submissions from 2 submitters: Uncertain significance (1). 1 of the submissions does not count toward it. Last evaluated 2024-04-14.

Conditions:
PLXNA1-related disorder. Also called: PLXNA1-related condition.

gnomAD v4.1: 7 of 1,595,584 alleles (0.00044%); highest among the groups gnomAD compares: Admixed American, 0.012%; no homozygotes.

Submissions (2):

Labcorp Genetics (formerly Invitae), Labcorp
Classification: Uncertain significance. Last evaluated: 2024-04-14. Review status: criteria provided, single submitter. Criteria: Invitae Variant Classification Sherloc (09022015). Collection method: clinical testing. Allele origin: germline.
Comment: This sequence change replaces histidine, which is basic and polar, with glutamine, which is neutral and polar, at codon 856 of the PLXNA1 protein (p.His856Gln). This variant is present in population databases (no rsID available, gnomAD 0.02%). This variant has not been reported in the literature in individuals affected with PLXNA1-related conditions. ClinVar contains an entry for this variant (Variation ID: 2634920). An algorithm developed to predict the effect of missense changes on protein structure and function (PolyPhen-2) suggests that this variant is likely to be tolerated. In summary, the available evidence is currently insufficient to determine the role of this variant in disease. Therefore, it has been classified as a Variant of Uncertain Significance.

PreventionGenetics, part of Exact Sciences
Classification: Uncertain significance for PLXNA1-related condition. Last evaluated: 2024-06-28. Review status: no assertion criteria provided. Collection method: clinical testing. Allele origin: germline. Not counted in ClinVar's aggregate classification.
Comment: The PLXNA1 c.2568C>G variant is predicted to result in the amino acid substitution p.His856Gln. To our knowledge, this variant has not been reported in the literature. This variant is reported in 0.012% of alleles in individuals of Latino descent in gnomAD. At this time, the clinical significance of this variant is uncertain due to the absence of conclusive functional and genetic evidence.

NM_032242.4(PLXNA1):c.2568C>G (p.His856Gln)

Gene: PLXNA1 (plexin A1; plus strand). Cytogenetic location: 3q21.3.
Variant type: single nucleotide variant.
Coding change: c.2568C>G on transcript NM_032242.4 (MANE Select); coding-DNA position 2568, C replaced by G.
Protein change: p.His856Gln; replaces histidine 856 with glutamine.
Molecular consequence: missense variant.
Genome position (GRCh38, 1-based): chr3:127,014,339, C>G. VCF-style: chr3-127014339-C-G. GRCh37 (hg19) VCF-style: chr3-126733182-C-G.
Other names: short protein forms H856Q.
Identifiers: ClinVar variation 2634920 (VCV002634920.5), dbSNP rs920317173, ClinGen allele CA354386455.